The following is an entry in ClinVar:

ClinVar aggregate classification (germline): Uncertain significance (1 of 4 stars; one submission).

Conditions:
Drash syndrome (DDS). Also called: NEPHROPATHY, WILMS TUMOR, AND GENITAL ANOMALIES; WILMS TUMOR AND PSEUDO- OR TRUE HERMAPHRODITISM. Identifiers: Orphanet 220, MedGen C0950121, MONDO:0008682, OMIM 194080.
Wilms tumor 1 (WT1). Also called: Wilms tumor, somatic. Identifiers: Orphanet 654, MedGen CN033288, MONDO:0008679, OMIM 194070.
11p partial monosomy syndrome (WAGR). Also called: CHROMOSOME 11p13 DELETION SYNDROME; WAGR Spectrum Disorder; WAGR syndrome; WAGR Complex. Identifiers: Orphanet 893, MedGen C0206115, MONDO:0008681, OMIM 194072.
Frasier syndrome. Identifiers: Orphanet 347, MedGen C0950122, MeSH D052159, MONDO:0007635, OMIM 136680.

Submission:

Labcorp Genetics (formerly Invitae), Labcorp
Classification: Uncertain significance for Wilms tumor 1; Drash syndrome; 11p partial monosomy syndrome; Frasier syndrome. Last evaluated: 2023-10-24. Review status: criteria provided, single submitter. Criteria: Invitae Variant Classification Sherloc (09022015). Collection method: clinical testing. Allele origin: germline.
Comment: This sequence change affects the initiator methionine of the WT1 mRNA. The next in-frame methionine is located at codon 69. This variant is not present in population databases (gnomAD no frequency). This variant has not been reported in the literature in individuals affected with WT1-related conditions. Experimental studies and prediction algorithms are not available or were not evaluated, and the functional significance of this variant is currently unknown. Downstream of the non-canonical translation start site (CTG) at codon 1, the nearest methionine codon that can be used to initiate translation of the WT1 protein lies at codon 69. This downstream in-frame ATG is known as a major initiation site (PMID: 28811308, 16987884, 8621495). The functional significance of the different WT1 protein isoforms is unknown (PMID: 8621495), however mice lacking the N-terminal 68 amino acids develop normally and are fertile (PMID: 12640141). Based on these results, the impact of this variant on WT1 protein function is uncertain. In summary, the available evidence is currently insufficient to determine the role of this variant in disease. Therefore, it has been classified as a Variant of Uncertain Significance.

Literature cited by the submitters: PubMed 28811308; PubMed 16987884; PubMed 8621495; PubMed 12640141.

NM_024426.6(WT1):c.17T>C (p.Leu6Pro)

Genes: WT1 (WT1 transcription factor; minus strand), LOC107982234 (WT1/WT1-AS bi-directional promoter region; plus strand). Cytogenetic location: 11p13.
Variant type: single nucleotide variant.
Coding change: c.17T>C on transcript NM_024426.6 (MANE Select); coding-DNA position 17, T replaced by C.
Protein change: p.Leu6Pro; replaces leucine 6 with proline.
Molecular consequence: missense variant. On other transcripts: non-coding transcript variant (2).
Genome position (GRCh38, 1-based): chr11:32,435,344, A>G on the plus strand (T>C on the coding strand, the complement: WT1 is on the minus strand). VCF-style: chr11-32435344-A-G. GRCh37 (hg19) VCF-style: chr11-32456890-A-G.
Other names: c.17T>C, p.Leu6Pro (NM_000378.6, NM_001407044.1, NM_001407045.1 and 6 more transcripts); c.2T>C, p.Met1Pro (NM_024425.2); short protein forms L6P, M1P.
Identifiers: ClinVar variation 2930682 (VCV002930682.2), dbSNP rs1162651073, ClinGen allele CA379966565.
Genomic context (GRCh38, chr11:32,435,344, plus strand): 5'-CCGGAGCGGAGCGTGTGCTGAGACGCCGGCTCCGGGACACACGTGGAAGCCGGGTCCTGC[A>G]GCAAGAGGAAGTCCAGGATCGCGGCGAGGAGACGGCGGGGCCCGGGCGCCTGGGCTGCCG-3'
Protein context (NP_077744.4, residues 1-16): MDFLL[Leu6Pro]QDPASTCVPE